The following is an entry in ClinVar:

NM_002291.3(LAMB1):c.5227T>A (p.Leu1743Ile)

Gene: LAMB1 (laminin subunit beta 1; minus strand). Cytogenetic location: 7q31.1.
Variant type: single nucleotide variant.
Coding change: c.5227T>A on transcript NM_002291.3 (MANE Select); coding-DNA position 5227, T replaced by A.
Protein change: p.Leu1743Ile; replaces leucine 1743 with isoleucine.
Molecular consequence: missense variant.
Genome position (GRCh38, 1-based): chr7:107,924,085, A>T on the plus strand (T>A on the coding strand, the complement: LAMB1 is on the minus strand). VCF-style: chr7-107924085-A-T. GRCh37 (hg19) VCF-style: chr7-107564530-A-T.
Other names: short protein forms L1743I.
Identifiers: ClinVar variation 1476236 (VCV001476236.8), dbSNP rs2116299976, ClinGen allele CA368860033.

ClinVar aggregate classification (germline): Uncertain significance (1 of 4 stars; one submission).

Submission:

Labcorp Genetics (formerly Invitae), Labcorp
Classification: Uncertain significance. Last evaluated: 2024-12-16. Review status: criteria provided, single submitter. Criteria: Invitae Variant Classification Sherloc (09022015). Collection method: clinical testing. Allele origin: germline.
Comment: This sequence change replaces leucine, which is neutral and non-polar, with isoleucine, which is neutral and non-polar, at codon 1743 of the LAMB1 protein (p.Leu1743Ile). This variant is not present in population databases (gnomAD no frequency). This variant has not been reported in the literature in individuals affected with LAMB1-related conditions. ClinVar contains an entry for this variant (Variation ID: 1476236). An algorithm developed to predict the effect of missense changes on protein structure and function (PolyPhen-2) suggests that this variant is likely to be disruptive. In summary, the available evidence is currently insufficient to determine the role of this variant in disease. Therefore, it has been classified as a Variant of Uncertain Significance.